The following is an entry in ClinVar:

GRCh37/hg19 11q24.2-24.3(chr11:126809705-130289168)

Genes: ADAMTS8 (ADAM metallopeptidase with thrombospondin type 1 motif 8; minus strand), FLI1 (Fli-1 proto-oncogene, ETS transcription factor; plus strand), PRDM10 (PR/SET domain 10; minus strand), APLP2 (amyloid beta precursor like protein 2; plus strand), ARHGAP32 (Rho GTPase activating protein 32; minus strand) and 12 more. Cytogenetic location: 11q24.2-24.3.
Variant type: copy number loss.
Identifiers: ClinVar variation 625560 (VCV000625560.1).

ClinVar aggregate classification (germline): Pathogenic (1 of 4 stars; one submission).

Submission:

Baylor Genetics
Classification: Pathogenic. Last evaluated: 2018-11-01. Review status: criteria provided, single submitter. Criteria: ACMG CNV Guidelines, 2011. Collection method: clinical testing. Allele origin: germline. Observed: 1 variant allele.